The following is an entry in ClinVar:

ClinVar aggregate classification (germline): Pathogenic. Review status: criteria provided, multiple submitters, no conflicts (2 of 4 stars). 2 submissions from 2 submitters: Pathogenic (2). Last evaluated 2024-01-10.

Conditions:
Familial cancer of breast. Also called: BREAST CANCER, FAMILIAL; Hereditary breast cancer; hereditary breast carcinoma. Identifiers: Orphanet 227535, MedGen C0346153, MONDO:0016419, OMIM 114480. Disease mechanism: loss of function.

Submissions (2):

Myriad Genetics, Inc.
Classification: Pathogenic for Familial cancer of breast. Last evaluated: 2024-01-10. Review status: criteria provided, single submitter. Criteria: Myriad Autosomal Dominant, Autosomal Recessive and X-Linked Classification Criteria (2023). Collection method: clinical testing. Allele origin: unknown.
Comment: This variant is considered pathogenic. This variant is located within the gene translation start codon (p.Met1?) and is predicted to result in abnormal protein translation. This variant has been reported in multiple individuals with clinical features of gene-specific disease [PMID: 21665257, 9463314, 21792198, 12552559, 22649200, 22146522, 30549301].

Department of Pathology and Laboratory Medicine, Sinai Health System
Classification: Pathogenic for Familial cancer of breast. Last evaluated: 2022-06-29. Review status: criteria provided, single submitter. Criteria: ACMG Guidelines, 2015. Collection method: clinical testing. Allele origin: germline. Affected: yes.

Literature cited by the submitters: PubMed 21665257 (cited by Myriad Genetics, Inc.); PubMed 9463314 (cited by Myriad Genetics, Inc.); PubMed 21792198 (cited by Myriad Genetics, Inc.); PubMed 12552559 (cited by Myriad Genetics, Inc.); PubMed 22649200 (cited by Myriad Genetics, Inc.); PubMed 22146522 (cited by Myriad Genetics, Inc.); PubMed 30549301 (cited by Myriad Genetics, Inc.).

NM_000051.4(ATM):c.3G>C (p.Met1Ile)

Gene: ATM (ATM serine/threonine kinase; plus strand). Cytogenetic location: 11q22.3.
Variant type: single nucleotide variant.
Coding change: c.3G>C on transcript NM_000051.4 (MANE Select); coding-DNA position 3, G replaced by C.
Protein change: p.Met1Ile; changes the start codon (methionine 1).
Molecular consequence: missense variant, initiator codon variant.
Genome position (GRCh38, 1-based): chr11:108,227,627, G>C. VCF-style: chr11-108227627-G-C. GRCh37 (hg19) VCF-style: chr11-108098354-G-C.
Other names: c.3G>C, p.Met1Ile (NM_001351834.2, NM_001351835.2, NM_001351836.2); c.3G>C (NM_000051.2); short protein forms M1I.
Identifiers: ClinVar variation 3148372 (VCV003148372.2), dbSNP rs781404312, ClinGen allele CA382518896.